The following is an entry in ClinVar:

NM_005236.3(ERCC4):c.1488A>T (p.Gln496His)

Gene: ERCC4 (ERCC excision repair 4, endonuclease catalytic subunit; plus strand). Cytogenetic location: 16p13.12.
Variant type: single nucleotide variant.
Coding change: c.1488A>T on transcript NM_005236.3 (MANE Select); coding-DNA position 1488, A replaced by T.
Protein change: p.Gln496His; replaces glutamine 496 with histidine.
Molecular consequence: missense variant.
Genome position (GRCh38, 1-based): chr16:13,935,420, A>T. VCF-style: chr16-13935420-A-T. GRCh37 (hg19) VCF-style: chr16-14029277-A-T.
Other names: short protein forms Q496H.
Identifiers: ClinVar variation 134150 (VCV000134150.24), dbSNP rs146601373, ClinGen allele CA158912.
Genomic context (GRCh38, chr16:13,935,420, plus strand): 5'-ACGGGCTTCTACCAAAGAAAGAACCCTCAAAAAGAAAAAACGGAAGTTGACCTTAACTCA[A>T]ATGGTAGGAAAACCTGAAGAACTGGAAGAGGAAGGAGATGTCGAGGAAGGATATCGTCGA-3'
Protein context (NP_005227.1, residues 486-506): KKKKRKLTLT[Gln496His]MVGKPEELEE

ClinVar aggregate classification (germline): Conflicting classifications of pathogenicity. Review status: criteria provided, conflicting classifications (1 of 4 stars). 11 submissions from 11 submitters: Uncertain significance (1); Benign (1); Likely benign (7). 2 of the submissions do not count toward it. Last evaluated 2026-01-31.

Conditions:
Fanconi anemia complementation group Q. Identifiers: Orphanet 84, MedGen C3808988, MONDO:0014108, OMIM 615272.
Xeroderma pigmentosum, group F (XPF). Also called: XERODERMA PIGMENTOSUM VI; XP, GROUP F; XERODERMA PIGMENTOSUM, TYPE F; Xeroderma pigmentosum, type 6; XERODERMA PIGMENTOSUM, COMPLEMENTATION GROUP F; ERCC4-Related Xeroderma Pigmentosum. Identifiers: MedGen C0268140, MONDO:0010215, OMIM 278760.
Cockayne syndrome. Identifiers: Orphanet 191, MedGen C0009207, MONDO:0016006.
Inborn genetic diseases. Identifiers: MedGen C0950123, MeSH D030342.
Hereditary cancer-predisposing syndrome. Also called: Tumor predisposition; Hereditary neoplastic syndrome; Neoplastic Syndromes, Hereditary; Hereditary Cancer Syndrome. Identifiers: Orphanet 140162, MedGen C0027672, MeSH D009386, MONDO:0015356.
Xeroderma pigmentosum (XP). Identifiers: Orphanet 910, MedGen C0043346, MONDO:0019600.
Hutchinson-Gilford syndrome (HGPS). Also called: Hutchinson-Gilford Progeria Syndrome. Identifiers: Orphanet 740, MedGen C0033300, MONDO:0008310, OMIM 176670.

Allele frequency attached by ClinVar (database versions not stated): gnomAD 0.00201; 1000 Genomes Project 0.00240; 1000 Genomes Project 30x 0.00265; TOPMed 0.00268; ESP Exome Variant Server 0.00292.
gnomAD v4.1: 787 of 1,613,606 alleles (0.049%); highest among the groups gnomAD compares: African/African-American, 0.87%; 1 homozygote.

Submissions (11):

Labcorp Genetics (formerly Invitae), Labcorp
Classification: Likely benign for Fanconi anemia complementation group Q; Xeroderma pigmentosum, group F; Cockayne syndrome. Last evaluated: 2026-01-31. Review status: criteria provided, single submitter. Criteria: Invitae Variant Classification Sherloc (09022015). Collection method: clinical testing. Allele origin: germline.

Molecular Diagnostics Laboratory, Catalan Institute of Oncology
Classification: Benign for Hereditary cancer-predisposing syndrome. Last evaluated: 2024-11-10. Review status: criteria provided, single submitter. Criteria: ACMG Guidelines, 2015. Collection method: clinical testing. Allele origin: germline.
Comment: BA1 c.1488A>T, located in exon 8 of the ERCC4 gene, is predicted to result in the substitution of Glutamine  by Histidine at codon 496, p.(Gln496His). The variant allele was found in 184/23512 alleles, with a filtering allele frequency of 0,7% at 95% confidence, within the African population in the gnomAD v2.1.1 database (non-cancer data set) (BA1). The SpliceAI algorithm predicts no significant impact on splicing and the REVEL meta-predictor score (0.33) for this variant is indeterminate regarding the effect that it may have on protein function according Pejaver 2022 thresholds (PMID: 36413997). To our knowledge, neither clinical data nor functional studies have been reported for this variant. It has been reported in ClinVar (2x uncertain significance, 5x likely benign). Based on currently available information, c.1488A>T is classified as a benign variant according to ACMG guidelines.

Blueprint Genetics
Classification: Likely benign. Last evaluated: 2024-09-11. Review status: criteria provided, single submitter. Criteria: ACMG Guidelines, 2015. Collection method: clinical testing. Allele origin: germline.

KCCC/NGS Laboratory, Kuwait Cancer Control Center
Classification: Likely benign for Xeroderma pigmentosum, group F. Last evaluated: 2023-07-07. Review status: criteria provided, single submitter. Criteria: ACMG Guidelines, 2015. Collection method: clinical testing. Allele origin: germline. Affected: yes.

Sema4
Classification: Uncertain significance for Xeroderma pigmentosum. Last evaluated: 2021-11-30. Review status: criteria provided, single submitter. Criteria: Sema4 Curation Guidelines. Collection method: curation. Allele origin: germline.
Comment: To the best of our knowledge, the ERCC4 c.1488A>T (p.Q496H) variant has not been reported in individuals with ERCC4-related disease. This variant was observed in 193/24864 chromosomes in the African/ African American subpopulation, with no homozygotes, in the large and broad cohorts of the Genome Aggregation Database (PMID: 32461654). The variant has been reported in ClinVar (Variation ID: 134150). Computational analyses and evolutionary conservation data do not provide strong support for or against an impact to the protein, however these predictions have not been confirmed by published functional studies. Based on the current evidence available, this variant is interpreted as a variant of uncertain significance.

Ambry Genetics
Classification: Likely benign for Inborn genetic diseases. Last evaluated: 2021-08-23. Review status: criteria provided, single submitter. Criteria: Ambry Variant Classification Scheme 2023. Collection method: clinical testing. Allele origin: germline.

Genetic Services Laboratory, University of Chicago
Classification: Likely benign. Last evaluated: 2020-12-17. Review status: criteria provided, single submitter. Criteria: ACMG Guidelines, 2015. Collection method: clinical testing. Allele origin: germline. Affected: no.

Illumina Laboratory Services, Illumina
Classification: Likely benign for Xeroderma pigmentosum, group F. Last evaluated: 2018-01-13. Review status: criteria provided, single submitter. Criteria: ICSL Variant Classification Criteria 13 December 2019. Collection method: clinical testing. Allele origin: germline.
Comment: This variant was observed in the ICSL laboratory as part of a predisposition screen in an ostensibly healthy population. It had not been previously curated by ICSL or reported in the Human Gene Mutation Database (HGMD: prior to June 1st, 2018), and was therefore a candidate for classification through an automated scoring system. Utilizing variant allele frequency, disease prevalence and penetrance estimates, and inheritance mode, an automated score was calculated to assess if this variant is too frequent to cause the disease. Based on the score and internal cut-off values, a variant classified as likely benign is not then subjected to further curation. The score for this variant resulted in a classification of likely benign for this disease.

Breakthrough Genomics
Classification: Likely benign. Review status: criteria provided, single submitter. Criteria: ACMG Guidelines, 2015. Collection method: not provided. Allele origin: germline. Inheritance: Autosomal recessive inheritance. Affected: yes.

ITMI
No classification provided. Condition: AllHighlyPenetrant. Last evaluated: 2013-09-19. Review status: no classification provided. Collection method: reference population. Allele origin: germline. Not counted in ClinVar's aggregate classification.
Comment: Please see associated publication for description of ethnicities

University of Washington Center for Mendelian Genomics, University of Washington
Classification: Uncertain significance for Atypical Werner Syndrome. Review status: no assertion criteria provided. Collection method: research. Allele origin: unknown. Affected: yes. Not counted in ClinVar's aggregate classification.

Literature cited by the submitters: PubMed 24728327 (cited by ITMI); PubMed 29105242 (cited by University of Washington Center for Mendelian Genomics, University of Washington).